The following is an entry in ClinVar:

ClinVar aggregate classification (germline): Likely benign. Review status: criteria provided, multiple submitters, no conflicts (2 of 4 stars). 7 submissions from 7 submitters: Likely benign (7). Last evaluated 2026-01-04.

Conditions:
Marfan syndrome (MFS). Also called: Marfan syndrome type 1; Marfan's syndrome; Marfan syndrome, classic; FBN1-Related Marfan Syndrome; MARFAN SYNDROME, TYPE I. Identifiers: Orphanet 284963, Orphanet 558, MedGen C0024796, MONDO:0007947, OMIM 154700.
Familial thoracic aortic aneurysm and aortic dissection (TAAD). Also called: Thoracic aortic aneurysms and dissections. Identifiers: Orphanet 91387, MedGen C4707243, MONDO:0019625.

Allele frequency attached by ClinVar (database versions not stated): gnomAD 0.00001; gnomAD exomes 0.00001 and 0.00003; ExAC 0.00003; TOPMed 0.00006; 1000 Genomes Project 30x 0.00016; 1000 Genomes Project 0.00020.
gnomAD v4.1: 25 of 1,613,386 alleles (0.0015%); highest among the groups gnomAD compares: African/African-American, 0.0053%; no homozygotes.

Submissions (7):

Labcorp Genetics (formerly Invitae), Labcorp
Classification: Likely benign for Marfan syndrome; Familial thoracic aortic aneurysm and aortic dissection. Last evaluated: 2026-01-04. Review status: criteria provided, single submitter. Criteria: Invitae Variant Classification Sherloc (09022015). Collection method: clinical testing. Allele origin: germline.

CeGaT Center for Human Genetics Tuebingen
Classification: Likely benign. Last evaluated: 2024-07-01. Review status: criteria provided, single submitter. Criteria: CeGaT Center For Human Genetics Tuebingen Variant Classification Criteria Version 2. Collection method: clinical testing. Allele origin: germline. Affected: yes. Observed: 2 variant alleles.
Comment: FBN1: BP4, BP7

All of Us Research Program, National Institutes of Health
Classification: Likely benign for Marfan syndrome. Last evaluated: 2023-12-13. Review status: criteria provided, single submitter. Criteria: ACMG Guidelines, 2015. Collection method: clinical testing. Allele origin: germline. Inheritance: Autosomal dominant inheritance. Observed: 7 variant alleles, 7 heterozygotes.
Comment: This study involves interpretation of variants in research participants for the purpose of population health screening. Participant phenotype was not available at the time of variant classification. Additional details can be found in publication PMID: 35346344, PMCID: PMC8962531

Blueprint Genetics
Classification: Likely benign. Last evaluated: 2021-06-22. Review status: criteria provided, single submitter. Criteria: ACMG Guidelines, 2015. Collection method: clinical testing. Allele origin: germline.

Women's Health and Genetics/Laboratory Corporation of America, LabCorp
Classification: Likely benign. Last evaluated: 2019-12-14. Review status: criteria provided, single submitter. Criteria: LabCorp Variant Classification Summary - May 2015. Collection method: clinical testing. Allele origin: germline.

Ambry Genetics
Classification: Likely benign for Familial thoracic aortic aneurysm and aortic dissection. Last evaluated: 2019-03-28. Review status: criteria provided, single submitter. Criteria: Ambry Variant Classification Scheme 2023. Collection method: clinical testing. Allele origin: germline.

Color Diagnostics, LLC DBA Color Health
Classification: Likely benign for Familial thoracic aortic aneurysm and aortic dissection. Last evaluated: 2018-11-09. Review status: criteria provided, single submitter. Criteria: ACMG Guidelines, 2015. Collection method: clinical testing. Allele origin: germline.

NM_000138.5(FBN1):c.393C>T (p.Asp131=)

Gene: FBN1 (fibrillin 1; minus strand). Cytogenetic location: 15q21.1.
Variant type: single nucleotide variant.
Coding change: c.393C>T on transcript NM_000138.5 (MANE Select); coding-DNA position 393, C replaced by T.
Protein change: p.Asp131=; no amino-acid change (aspartic acid 131 retained).
Molecular consequence: synonymous variant.
Genome position (GRCh38, 1-based): chr15:48,600,188, G>A on the plus strand (C>T on the coding strand, the complement: FBN1 is on the minus strand). VCF-style: chr15-48600188-G-A. GRCh37 (hg19) VCF-style: chr15-48892385-G-A.
Identifiers: ClinVar variation 705045 (VCV000705045.53), dbSNP rs549054625, ClinGen allele CA051719.